The following is an entry in ClinVar:

NM_004260.4(RECQL4):c.1229A>G (p.Asp410Gly)

Gene: RECQL4 (RecQ like helicase 4; minus strand). Cytogenetic location: 8q24.3.
Variant type: single nucleotide variant.
Coding change: c.1229A>G on transcript NM_004260.4 (MANE Select); coding-DNA position 1229, A replaced by G.
Protein change: p.Asp410Gly; replaces aspartic acid 410 with glycine.
Molecular consequence: missense variant.
Genome position (GRCh38, 1-based): chr8:144,515,793, T>C on the plus strand (A>G on the coding strand, the complement: RECQL4 is on the minus strand). VCF-style: chr8-144515793-T-C. GRCh37 (hg19) VCF-style: chr8-145741177-T-C.
Other names: short protein forms D410G.
Identifiers: ClinVar variation 459311 (VCV000459311.3), dbSNP rs1554901692, ClinGen allele CA372687360.

ClinVar aggregate classification (germline): Uncertain significance (1 of 4 stars; one submission).

Conditions:
Baller-Gerold syndrome (BGS). Also called: CRANIOSYNOSTOSIS WITH RADIAL DEFECTS. Identifiers: Orphanet 1225, MedGen C0265308, MONDO:0009039, OMIM 218600.

Allele frequency attached by ClinVar (database versions not stated): gnomAD exomes below 0.00001.
gnomAD v4.1: 1 of 1,612,608 alleles (0.000062%); highest among the groups gnomAD compares: Non-Finnish European, 0.000085%; no homozygotes.

Submission:

Labcorp Genetics (formerly Invitae), Labcorp
Classification: Uncertain significance for Baller-Gerold syndrome. Last evaluated: 2017-03-07. Review status: criteria provided, single submitter. Criteria: Invitae Variant Classification Sherloc (09022015). Collection method: clinical testing. Allele origin: germline.
Comment: In summary, this variant is a novel missense change that is not predicted to affect protein function. There is no indication that it causes disease, but the available evidence is currently insufficient to prove that conclusively. Therefore, it has been classified as a Variant of Uncertain Significance. Algorithms developed to predict the effect of missense changes on protein structure and function output the following: SIFT: "Tolerated"; PolyPhen-2: "Benign"; Align-GVGD: "Class C0". The glycine amino acid residue is found in multiple mammalian species, suggesting that this missense change does not adversely affect protein function. These predictions have not been confirmed by published functional studies. This variant is not present in population databases (ExAC no frequency) and has not been reported in the literature in individuals with a RECQL4-related disease. This sequence change replaces aspartic acid with glycine at codon 410 of the RECQL4 protein (p.Asp410Gly). The aspartic acid residue is weakly conserved and there is a moderate physicochemical difference between aspartic acid and glycine.